The following is an entry in ClinVar:

ClinVar aggregate classification (germline): Uncertain significance (1 of 4 stars; one submission).

Submission:

GeneDx
Classification: Uncertain significance. Last evaluated: 2024-05-29. Review status: criteria provided, single submitter. Criteria: GeneDx Variant Classification Process June 2021. Collection method: clinical testing. Allele origin: germline. Affected: yes.
Comment: Has not been previously published as pathogenic or benign to our knowledge; Not observed at significant frequency in large population cohorts (gnomAD); In silico analysis supports that this missense variant has a deleterious effect on protein structure/function

NM_014491.4(FOXP2):c.823G>A (p.Gly275Arg)

Gene: FOXP2 (forkhead box P2; plus strand). Cytogenetic location: 7q31.1.
Variant type: single nucleotide variant.
Coding change: c.823G>A on transcript NM_014491.4 (MANE Select); coding-DNA position 823, G replaced by A.
Protein change: p.Gly275Arg; replaces glycine 275 with arginine.
Molecular consequence: missense variant. On other transcripts: non-coding transcript variant (2).
Genome position (GRCh38, 1-based): chr7:114,642,457, G>A. VCF-style: chr7-114642457-G-A. GRCh37 (hg19) VCF-style: chr7-114282512-G-A.
Other names: c.820G>A, p.Gly274Arg (NM_001172766.3); c.898G>A, p.Gly300Arg (NM_001172767.2, NM_148898.4); c.823G>A, p.Gly275Arg (NM_148899.3); c.874G>A, p.Gly292Arg (NM_148900.4); short protein forms G274R, G275R, G292R, G300R.
Identifiers: ClinVar variation 3383512 (VCV003383512.1).